The following is an entry in ClinVar:

NM_005751.5(AKAP9):c.1811A>G (p.Glu604Gly)

Gene: AKAP9 (A-kinase anchoring protein 9; plus strand). Cytogenetic location: 7q21.2.
Variant type: single nucleotide variant.
Coding change: c.1811A>G on transcript NM_005751.5 (MANE Select); coding-DNA position 1811, A replaced by G.
Protein change: p.Glu604Gly; replaces glutamic acid 604 with glycine.
Molecular consequence: missense variant.
Genome position (GRCh38, 1-based): chr7:92,001,728, A>G. VCF-style: chr7-92001728-A-G. GRCh37 (hg19) VCF-style: chr7-91631042-A-G.
Other names: c.1811A>G, p.Glu604Gly (NM_147185.3); short protein forms E604G.
Identifiers: ClinVar variation 2078605 (VCV002078605.4), dbSNP rs2484691297, ClinGen allele CA368122643.

ClinVar aggregate classification (germline): Uncertain significance (1 of 4 stars; one submission).

Conditions:
Long QT syndrome (LQTS). Identifiers: MedGen C0023976, MeSH D008133, MONDO:0002442. Disease mechanism: loss of function. Inheritance: Various modes of inheritance.

Submission:

Labcorp Genetics (formerly Invitae), Labcorp
Classification: Uncertain significance for Long QT syndrome. Last evaluated: 2022-01-11. Review status: criteria provided, single submitter. Criteria: Invitae Variant Classification Sherloc (09022015). Collection method: clinical testing. Allele origin: germline.
Comment: This sequence change replaces glutamic acid, which is acidic and polar, with glycine, which is neutral and non-polar, at codon 604 of the AKAP9 protein (p.Glu604Gly). This variant is not present in population databases (gnomAD no frequency). This variant has not been reported in the literature in individuals affected with AKAP9-related conditions. Algorithms developed to predict the effect of missense changes on protein structure and function are either unavailable or do not agree on the potential impact of this missense change (SIFT: "Deleterious"; PolyPhen-2: "Possibly Damaging"; Align-GVGD: "Class C0"). In summary, the available evidence is currently insufficient to determine the role of this variant in disease. Therefore, it has been classified as a Variant of Uncertain Significance.